The following is an entry in ClinVar:

NM_000179.3(MSH6):c.1829A>G (p.Lys610Arg)

Gene: MSH6 (mutS homolog 6; plus strand). Cytogenetic location: 2p16.3.
Variant type: single nucleotide variant.
Coding change: c.1829A>G on transcript NM_000179.3 (MANE Select); coding-DNA position 1829, A replaced by G.
Protein change: p.Lys610Arg; replaces lysine 610 with arginine.
Molecular consequence: missense variant.
Genome position (GRCh38, 1-based): chr2:47,799,812, A>G. VCF-style: chr2-47799812-A-G. GRCh37 (hg19) VCF-style: chr2-48026951-A-G.
Other names: c.1439A>G, p.Lys480Arg (NM_001281492.2); c.923A>G, p.Lys308Arg (NM_001281493.2, NM_001281494.2); short protein forms K610R, K480R, K308R.
Identifiers: ClinVar variation 629113 (VCV000629113.14), dbSNP rs1558663145, ClinGen allele CA346749514.
Genomic context (GRCh38, chr2:47,799,812, plus strand): 5'-CCCCAGTACAAGTTTTATTTGAAAAAGGAAATCTCTCAAAGGAAACTAAAACAATTCTAA[A>G]GAGTTCATTGTCCTGTTCTCTTCAGGAAGGTCTGATACCCGGCTCCCAGTTTTGGGATGC-3'
Protein context (NP_000170.1, residues 600-620): NLSKETKTIL[Lys610Arg]SSLSCSLQEG

ClinVar aggregate classification (germline): Uncertain significance. Review status: criteria provided, multiple submitters, no conflicts (2 of 4 stars). 3 submissions from 3 submitters: Uncertain significance (3). Last evaluated 2025-06-09.

Conditions:
Hereditary cancer-predisposing syndrome. Also called: Neoplastic Syndromes, Hereditary; Tumor predisposition; Hereditary neoplastic syndrome; Hereditary Cancer Syndrome. Identifiers: Orphanet 140162, MedGen C0027672, MeSH D009386, MONDO:0015356.
Hereditary nonpolyposis colorectal neoplasms. Identifiers: MedGen C0009405, MeSH D003123.
Lynch syndrome. Identifiers: Orphanet 144, MedGen C4552100, MONDO:0005835. Disease mechanism: loss of function.

Submissions (3):

Labcorp Genetics (formerly Invitae), Labcorp
Classification: Uncertain significance for Hereditary nonpolyposis colorectal neoplasms. Last evaluated: 2025-06-09. Review status: criteria provided, single submitter. Criteria: Invitae Variant Classification Sherloc (09022015). Collection method: clinical testing. Allele origin: germline.
Comment: This sequence change replaces lysine, which is basic and polar, with arginine, which is basic and polar, at codon 610 of the MSH6 protein (p.Lys610Arg). This variant is not present in population databases (gnomAD no frequency). This missense change has been observed in individual(s) with biliary tract cancer (PMID: 36243179). ClinVar contains an entry for this variant (Variation ID: 629113). Invitae Evidence Modeling of protein sequence and biophysical properties (such as structural, functional, and spatial information, amino acid conservation, physicochemical variation, residue mobility, and thermodynamic stability) indicates that this missense variant is not expected to disrupt MSH6 protein function with a negative predictive value of 95%. In summary, the available evidence is currently insufficient to determine the role of this variant in disease. Therefore, it has been classified as a Variant of Uncertain Significance.

Color Diagnostics, LLC DBA Color Health
Classification: Uncertain significance for Hereditary cancer-predisposing syndrome. Last evaluated: 2024-03-06. Review status: criteria provided, single submitter. Criteria: ACMG Guidelines, 2015. Collection method: clinical testing. Allele origin: germline.
Comment: This missense variant replaces lysine with arginine at codon 610 of the MSH6 protein. Computational prediction suggests that this variant may not impact protein structure and function (internally defined REVEL score threshold <= 0.5, PMID: 27666373). To our knowledge, functional studies have not been reported for this variant. This variant has not been reported in individuals affected with hereditary cancer in the literature. This variant has not been identified in the general population by the Genome Aggregation Database (gnomAD). The available evidence is insufficient to determine the role of this variant in disease conclusively. Therefore, this variant is classified as a Variant of Uncertain Significance.

All of Us Research Program, National Institutes of Health
Classification: Uncertain significance for Lynch syndrome. Last evaluated: 2023-11-02. Review status: criteria provided, single submitter. Criteria: ACMG Guidelines, 2015. Collection method: clinical testing. Allele origin: germline. Inheritance: Autosomal dominant inheritance. Observed: 1 variant allele, 1 heterozygote.
Comment: This missense variant replaces lysine with arginine at codon 610 of the MSH6 protein. Computational prediction suggests that this variant may not impact protein structure and function (internally defined REVEL score threshold <= 0.5, PMID: 27666373). To our knowledge, functional studies have not been reported for this variant. This variant has not been reported in individuals affected with hereditary cancer in the literature. This variant has not been identified in the general population by the Genome Aggregation Database (gnomAD). The available evidence is insufficient to determine the role of this variant in disease conclusively. Therefore, this variant is classified as a Variant of Uncertain Significance.

This study involves interpretation of variants in research participants for the purpose of population health screening. Participant phenotype was not available at the time of variant classification. Additional details can be found in publication PMID: 35346344, PMCID: PMC8962531

Literature cited by the submitters: PubMed 36243179 (cited by Labcorp Genetics (formerly Invitae), Labcorp).